The following is an entry in ClinVar:

NM_000059.4(BRCA2):c.4004A>G (p.Glu1335Gly)

Gene: BRCA2 (BRCA2 DNA repair associated; plus strand). Cytogenetic location: 13q13.1.
Variant type: single nucleotide variant.
Coding change: c.4004A>G on transcript NM_000059.4 (MANE Select); coding-DNA position 4004, A replaced by G.
Protein change: p.Glu1335Gly; replaces glutamic acid 1335 with glycine.
Molecular consequence: missense variant.
Genome position (GRCh38, 1-based): chr13:32,338,359, A>G. VCF-style: chr13-32338359-A-G. GRCh37 (hg19) VCF-style: chr13-32912496-A-G.
Other names: short protein forms E1335G.
Identifiers: ClinVar variation 568288 (VCV000568288.10), dbSNP rs1566229501, ClinGen allele CA387779000.
Genomic context (GRCh38, chr13:32,338,359, plus strand): 5'-GAAATACTGAAAATGAAGATAACAAATATACTGCTGCCAGTAGAAATTCTCATAACTTAG[A>G]ATTTGATGGCAGTGATTCAAGTAAAAATGATACTGTTTGTATTCATAAAGATGAAACGGA-3'
Protein context (NP_000050.3, residues 1325-1345): TAASRNSHNL[Glu1335Gly]FDGSDSSKND

ClinVar aggregate classification (germline): Conflicting classifications of pathogenicity. Review status: criteria provided, conflicting classifications (1 of 4 stars). 2 submissions from 2 submitters: Uncertain significance (1); Likely benign (1). Last evaluated 2023-03-23.

Conditions:
Hereditary cancer-predisposing syndrome. Also called: Neoplastic Syndromes, Hereditary; Tumor predisposition; Hereditary neoplastic syndrome; Hereditary Cancer Syndrome. Identifiers: Orphanet 140162, MedGen C0027672, MeSH D009386, MONDO:0015356.
Hereditary breast ovarian cancer syndrome. Also called: Hereditary breast and ovarian cancer syndrome (HBOC); Hereditary breast and ovarian cancer; Hereditary breast and/or ovarian cancer syndrome; Hereditary breast and ovarian cancer syndrome; Breast and ovarian cancer; BRCA1- and BRCA2-Associated Hereditary Breast and Ovarian Cancer. Identifiers: Orphanet 145, MedGen C0677776, MeSH D061325, MONDO:0003582. Disease mechanism: loss of function.

Submissions (2):

University of Washington Department of Laboratory Medicine, University of Washington
Classification: Likely benign for Hereditary cancer-predisposing syndrome. Last evaluated: 2023-03-23. Review status: criteria provided, single submitter. Criteria: Dines et al. (Genet Med. 2020). Collection method: curation. Allele origin: germline.
Comment: Missense variant in a coldspot region where missense variants are very unlikely to be pathogenic (PMID:31911673).

BRCA2 exon 11 coldspot. Reclassification based on statistical prior probability.

Labcorp Genetics (formerly Invitae), Labcorp
Classification: Uncertain significance for Hereditary breast ovarian cancer syndrome. Last evaluated: 2020-12-21. Review status: criteria provided, single submitter. Criteria: Invitae Variant Classification Sherloc (09022015). Collection method: clinical testing. Allele origin: germline.
Comment: In summary, the available evidence is currently insufficient to determine the role of this variant in disease. Therefore, it has been classified as a Variant of Uncertain Significance. Algorithms developed to predict the effect of missense changes on protein structure and function are either unavailable or do not agree on the potential impact of this missense change (SIFT: "Tolerated"; PolyPhen-2: "Possibly Damaging"; Align-GVGD: "Class C0"). This variant has not been reported in the literature in individuals with BRCA2-related disease. This variant is not present in population databases (ExAC no frequency). This sequence change replaces glutamic acid with glycine at codon 1335 of the BRCA2 protein (p.Glu1335Gly). The glutamic acid residue is weakly conserved and there is a moderate physicochemical difference between glutamic acid and glycine.